The following is an entry in ClinVar:

NM_182961.4(SYNE1):c.116C>G (p.Ser39Cys)

Gene: SYNE1 (spectrin repeat containing nuclear envelope protein 1; minus strand). Cytogenetic location: 6q25.2.
Variant type: single nucleotide variant.
Coding change: c.116C>G on transcript NM_182961.4 (MANE Select); coding-DNA position 116, C replaced by G.
Protein change: p.Ser39Cys; replaces serine 39 with cysteine.
Molecular consequence: missense variant.
Genome position (GRCh38, 1-based): chr6:152,539,973, G>C on the plus strand (C>G on the coding strand, the complement: SYNE1 is on the minus strand). VCF-style: chr6-152539973-G-C. GRCh37 (hg19) VCF-style: chr6-152861108-G-C.
Other names: c.116C>G, p.Ser39Cys (NM_033071.5); short protein forms S39C.
Identifiers: ClinVar variation 288659 (VCV000288659.9), dbSNP rs886043971, ClinGen allele CA10606176.

ClinVar aggregate classification (germline): Uncertain significance. Review status: criteria provided, multiple submitters, no conflicts (2 of 4 stars). 3 submissions from 3 submitters: Uncertain significance (3). Last evaluated 2022-01-18.

Allele frequency attached by ClinVar (database versions not stated): gnomAD exomes below 0.00001; TOPMed 0.00001.
gnomAD v4.1: 16 of 1,613,806 alleles (0.00099%); highest among the groups gnomAD compares: Non-Finnish European, 0.001%; no homozygotes.

Submissions (3):

GeneDx
Classification: Uncertain significance. Last evaluated: 2022-01-18. Review status: criteria provided, single submitter. Criteria: GeneDx Variant Classification Process June 2021. Collection method: clinical testing. Allele origin: germline. Affected: yes.
Comment: Not observed at significant frequency in large population cohorts (gnomAD); In silico analysis supports that this missense variant has a deleterious effect on protein structure/function; Has not been previously published as pathogenic or benign to our knowledge

Revvity Omics, Revvity
Classification: Uncertain significance. Last evaluated: 2021-03-25. Review status: criteria provided, single submitter. Criteria: ACMG Guidelines, 2015. Collection method: clinical testing. Allele origin: germline.

Eurofins Ntd Llc (ga)
Classification: Uncertain significance. Last evaluated: 2016-06-08. Review status: criteria provided, single submitter. Criteria: EGL Classification Definitions 2015. Collection method: clinical testing. Allele origin: germline. Observed: 1 variant allele, 1 heterozygote.